The following is an entry in ClinVar:

ClinVar aggregate classification (germline): Likely pathogenic. Review status: reviewed by expert panel (3 of 4 stars). 5 submissions from 5 submitters: Likely pathogenic (1). 4 of the submissions do not count toward it. Last evaluated 2025-05-20.

Conditions:
RPGR-related disorder. Also called: RPGR-related condition.
RPGR-related retinopathy. Also called: RPGR retinopathy. Identifiers: MedGen CN305589, MONDO:0100437.
Primary ciliary dyskinesia. Also called: Ciliary dyskinesia. Identifiers: Orphanet 244, MedGen C0008780, MONDO:0016575, HP:0012265.
Retinitis pigmentosa 3. Also called: CHOROIDORETINAL DEGENERATION WITH RETINAL REFLEX IN HETEROZYGOUS WOMEN. Identifiers: Orphanet 791, MedGen C1845667, MONDO:0010227, OMIM 300029.

Submissions (5):

ClinGen X-linked Inherited Retinal Disease Variant Curation Expert Panel, ClinGen
Classification: Likely pathogenic for RPGR-related retinopathy. Last evaluated: 2025-05-20. Review status: reviewed by expert panel. Criteria: ClinGen X LinkedIRD ACMG Specifications RPGR V1.0.0. Collection method: curation. Allele origin: germline. Inheritance: X-linked inheritance.
Comment: NM_001034853.2(RPGR):c.617C>T (p.Thr206Ile) is a missense variant in the last codon of RPGR exon 6 encoding substitution of threonine with isoleucine at amino acid 206 and potentially affecting RPGR splicing. This variant is absent from hemizygous individuals in gnomAD v4.1.0 (PM2_Supporting). The computational predictor REVEL gives a score of 0.883, which is between the ClinGen X-linked IRD VCEP threshold of 0.773 to 0.931 and predicts a damaging effect on RPGR function (PP3_moderate). The splicing impact predictor SpliceAI gives a score of 0.41 for splice donor loss, which is below the ClinGen X-linked IRD VCEP recommended PP3 threshold of ≥0.2 and but indicates the possibility of a damaging impact on splicing. At least one proband harboring this variant exhibits a phenotype including early onset (1 pt), family pedigree consistent with X-linked inheritance (2 pts), with delayed or milder phenotype in females (1 pt), night blindness (0.5 pts), decreased central visual acuity (0.5 pts), and visual field constriction (0.5 pts), which together are specific for RPGR-related retinopathy (5.5 points, PP4, PMID: 21857984, with author communication of clinical details). The variant has been reported to segregate with retinal dystrophy through at least 3 affected meioses from 1 family (PP1_Moderate; PMID: 21857984, with author confirmation of unpublished clinical details). This variant is outside the +/- 1,2 dinucleotide and meets the PP3 code and another variant in the same donor/acceptor motif, NM_001034853.2(RPGR):c.619+2T>A, was previously classified as pathogenic for RPGR-related retinopathy by the ClinGen X-linked IRD VCEP (PS1_moderate). In summary, this variant is classified as likely pathogenic for RPGR-related retinopathy based on the ClinGen X-linked Inherited Retinal Disease Expert Panel Specifications to the ACMG/AMP Variant Interpretation Guidelines for RPGR Version 1.0.0; PM2_supporting, PP1_moderate, PP3, PS1_moderate, and PP4. (date of approval 05/16/2025).

Labcorp Genetics (formerly Invitae), Labcorp
Classification: Uncertain significance for Primary ciliary dyskinesia. Last evaluated: 2024-03-27. Review status: criteria provided, single submitter. Criteria: Invitae Variant Classification Sherloc (09022015). Collection method: clinical testing. Allele origin: germline. Not counted in ClinVar's aggregate classification.
Comment: This sequence change replaces threonine, which is neutral and polar, with isoleucine, which is neutral and non-polar, at codon 206 of the RPGR protein (p.Thr206Ile). This variant is not present in population databases (gnomAD no frequency). This missense change has been observed in individual(s) with retinitis pigmentosa (PMID: 21857984). ClinVar contains an entry for this variant (Variation ID: 449508). An algorithm developed to predict the effect of missense changes on protein structure and function (PolyPhen-2) suggests that this variant is likely to be disruptive. Algorithms developed to predict the effect of sequence changes on RNA splicing suggest that this variant may disrupt the consensus splice site. In summary, the available evidence is currently insufficient to determine the role of this variant in disease. Therefore, it has been classified as a Variant of Uncertain Significance.

3billion
Classification: Uncertain significance for Retinitis pigmentosa 3. Last evaluated: 2023-07-13. Review status: criteria provided, single submitter. Criteria: ACMG Guidelines, 2015. Collection method: clinical testing. Allele origin: germline. Affected: yes. Not counted in ClinVar's aggregate classification.
Comment: The variant is not observed in the gnomAD v2.1.1 dataset. Predicted Consequence/Location: Protein truncation variants are a common disease-causing mechanism. This missense variant is predicted to lead to alternate splicing but has not been experimentally confirmed (PMID: 21857984). In silico tool predictions suggest damaging effect of the variant on gene or gene product (REVEL: 0.88; 3Cnet: 0.95). Therefore, this variant is classified as VUS according to the recommendation of ACMG/AMP guideline.

Blueprint Genetics
Classification: Pathogenic for RPGR-related disorders. Last evaluated: 2020-01-24. Review status: criteria provided, single submitter. Criteria: ACMG Guidelines, 2015. Collection method: clinical testing. Allele origin: germline. Affected: yes. Observed: 3 variant alleles. Not counted in ClinVar's aggregate classification.

GeneDx
Classification: Uncertain significance. Last evaluated: 2017-08-03. Review status: criteria provided, single submitter. Criteria: GeneDx Variant Classification (06012015). Collection method: clinical testing. Allele origin: germline. Affected: yes. Not counted in ClinVar's aggregate classification.
Comment: This variant is not observed in large population cohorts (Lek et al., 2016; 1000 Genomes Consortium et al., 2015; Exome Variant Server). The c.617 C>T variant reduces the quality of the natural splice donor site in exon 6, and may cause abnormal gene splicing. If c.617 C>T does not alter splicing, it will result in the T206I missense change. The T206I variant is a non-conservative amino acid substitution, which is likely to impact secondary protein structure as these residues differ in polarity, charge, size and/or other properties. In addition, this substitution occurs at a position that is conserved across species, and in silico analysis predicts this variant is probably damaging to the protein structure/function. We interpret c.617 C>T as a variant of uncertain significance.

Literature cited by the submitters: PubMed 21857984 (cited by Labcorp Genetics (formerly Invitae), Labcorp).

NM_001034853.2(RPGR):c.617C>T (p.Thr206Ile)

Gene: RPGR (retinitis pigmentosa GTPase regulator; minus strand). Cytogenetic location: Xp11.4.
Variant type: single nucleotide variant.
Coding change: c.617C>T on transcript NM_001034853.2 (MANE Select); coding-DNA position 617, C replaced by T.
Protein change: p.Thr206Ile; replaces threonine 206 with isoleucine.
Molecular consequence: missense variant. On other transcripts: non-coding transcript variant (5).
Genome position (GRCh38, 1-based): chrX:38,317,318, G>A on the plus strand (C>T on the coding strand, the complement: RPGR is on the minus strand). VCF-style: chrX-38317318-G-A. GRCh37 (hg19) VCF-style: chrX-38176571-G-A.
Other names: NM_001034853.2(RPGR):c.617C>T; p.Thr206Ile; c.617C>T, p.Thr206Ile (NM_000328.3, NM_001367245.1, NM_001367246.1 and 3 more transcripts); c.647C>T, p.Thr216Ile (NM_001367248.1); c.614C>T, p.Thr205Ile (NM_001367249.1); short protein forms T206I, T216I, T205I.
Identifiers: ClinVar variation 449508 (VCV000449508.6), dbSNP rs1555967757, ClinGen allele CA412744378.